The following is an entry in ClinVar:

NM_004999.4(MYO6):c.1079G>A (p.Gly360Asp)

Gene: MYO6 (myosin VI; plus strand). Cytogenetic location: 6q14.1.
Variant type: single nucleotide variant.
Coding change: c.1079G>A on transcript NM_004999.4 (MANE Select); coding-DNA position 1079, G replaced by A.
Protein change: p.Gly360Asp; replaces glycine 360 with aspartic acid.
Molecular consequence: missense variant. On other transcripts: non-coding transcript variant (1).
Genome position (GRCh38, 1-based): chr6:75,855,139, G>A. VCF-style: chr6-75855139-G-A. GRCh37 (hg19) VCF-style: chr6-76564856-G-A.
Other names: c.1079G>A, p.Gly360Asp (NM_001300899.2, NM_001368136.1, NM_001368137.1 and 2 more transcripts); c.1064G>A, p.Gly355Asp (NM_001368138.1); short protein forms G360D, G355D.
Identifiers: ClinVar variation 2731178 (VCV002731178.3), dbSNP rs759139184, ClinGen allele CA3897046.

ClinVar aggregate classification (germline): Uncertain significance (1 of 4 stars; one submission).

Allele frequency attached by ClinVar (database versions not stated): gnomAD exomes below 0.00001; TOPMed below 0.00001; ExAC 0.00001; gnomAD 0.00001.
gnomAD v4.1: 3 of 1,601,924 alleles (0.00019%); highest among the groups gnomAD compares: Non-Finnish European, 0.00026%; no homozygotes.

Submission:

Labcorp Genetics (formerly Invitae), Labcorp
Classification: Uncertain significance. Last evaluated: 2023-07-29. Review status: criteria provided, single submitter. Criteria: Invitae Variant Classification Sherloc (09022015). Collection method: clinical testing. Allele origin: germline.
Comment: This sequence change replaces glycine, which is neutral and non-polar, with aspartic acid, which is acidic and polar, at codon 360 of the MYO6 protein (p.Gly360Asp). This variant is present in population databases (rs759139184, gnomAD 0.0009%). In summary, the available evidence is currently insufficient to determine the role of this variant in disease. Therefore, it has been classified as a Variant of Uncertain Significance. Experimental studies and prediction algorithms are not available or were not evaluated, and the functional significance of this variant is currently unknown. This variant has not been reported in the literature in individuals affected with MYO6-related conditions.